The following is an entry in ClinVar:

NM_201384.3(PLEC):c.12285G>A (p.Thr4095=)

Gene: PLEC (plectin; minus strand). Cytogenetic location: 8q24.3.
Variant type: single nucleotide variant.
Coding change: c.12285G>A on transcript NM_201384.3 (MANE Select); coding-DNA position 12285, G replaced by A.
Protein change: p.Thr4095=; no amino-acid change (threonine 4095 retained).
Molecular consequence: synonymous variant.
Genome position (GRCh38, 1-based): chr8:143,917,536, C>T on the plus strand (G>A on the coding strand, the complement: PLEC is on the minus strand). VCF-style: chr8-143917536-C-T. GRCh37 (hg19) VCF-style: chr8-144991704-C-T.
Other names: c.12366G>A (NM_000445.4); c.12366G>A, p.Thr4122= (NM_000445.5); c.12243G>A, p.Thr4081= (NM_201378.4); c.12219G>A, p.Thr4073= (NM_201379.3); c.12696G>A, p.Thr4232= (NM_201380.4); c.12189G>A, p.Thr4063= (NM_201381.3); c.12285G>A, p.Thr4095= (NM_201382.4); c.12297G>A, p.Thr4099= (NM_201383.3).
Identifiers: ClinVar variation 514653 (VCV000514653.36), dbSNP rs200145450, ClinGen allele CA4924125.

ClinVar aggregate classification (germline): Likely benign. Review status: criteria provided, multiple submitters, no conflicts (2 of 4 stars). 5 submissions from 5 submitters: Likely benign (5). Last evaluated 2026-04-02.

Conditions:
PLEC-related disorder. Also called: PLEC-related disorders; PLEC-related condition.
Epidermolysis bullosa simplex 5C, with pyloric atresia (EBS5C). Also called: PLEC-Related Epidermolysis Bullosa with Pyloric Atresia; Epidermolysis bullosa simplex with pyloric atresia; PLEC1-Related Epidermolysis Bullosa with Pyloric Atresia. Identifiers: Orphanet 158684, MedGen C2677349, MONDO:0012807, OMIM 612138.
Epidermolysis bullosa simplex, Ogna type (EBS5A). Also called: Pidermolysis bullosa simplex 5A, Ogna type; EPIDERMOLYSIS BULLOSA SIMPLEX 5A, OGNA TYPE. Identifiers: Orphanet 79401, MedGen C0432317, MONDO:0007555, OMIM 131950.
Autosomal recessive limb-girdle muscular dystrophy type 2Q (LGMDR17). Also called: MUSCULAR DYSTROPHY, LIMB-GIRDLE, AUTOSOMAL RECESSIVE 17. Identifiers: Orphanet 254361, MedGen C3150989, MONDO:0013390, OMIM 613723.
Epidermolysis bullosa simplex with nail dystrophy (EBS5D). Identifiers: MedGen C4225309, MONDO:0014661, OMIM 616487.
Epidermolysis bullosa simplex 5B, with muscular dystrophy (EBS5B). Also called: Epidermolysis bullosa simplex with muscular dystrophy; EPIDERMOLYSIS BULLOSA SIMPLEX AND LIMB-GIRDLE MUSCULAR DYSTROPHY. Identifiers: Orphanet 257, MedGen C2931072, MONDO:0009181, OMIM 226670.

Allele frequency attached by ClinVar (database versions not stated): gnomAD 0.00009; ExAC 0.00010; gnomAD exomes 0.00010; TOPMed 0.00010; 1000 Genomes Project 30x 0.00016; 1000 Genomes Project 0.00020.
gnomAD v4.1: 149 of 1,613,922 alleles (0.0092%); highest among the groups gnomAD compares: South Asian, 0.029%; 1 homozygote.

Submissions (5):

PreventionGenetics, part of Exact Sciences
Classification: Likely benign for PLEC-related condition. Last evaluated: 2026-04-02. Review status: criteria provided, single submitter. Criteria: ACMG Guidelines, 2015. Collection method: clinical testing. Allele origin: germline.
Comment: This variant is classified as likely benign based on ACMG/AMP sequence variant interpretation guidelines (Richards et al. 2015 PMID: 25741868, with internal and published modifications).

Labcorp Genetics (formerly Invitae), Labcorp
Classification: Likely benign for Autosomal recessive limb-girdle muscular dystrophy type 2Q; Epidermolysis bullosa simplex, Ogna type; Epidermolysis bullosa simplex with nail dystrophy; Epidermolysis bullosa simplex 5C, with pyloric atresia; Epidermolysis bullosa simplex 5B, with muscular dystrophy. Last evaluated: 2026-02-01. Review status: criteria provided, single submitter. Criteria: Invitae Variant Classification Sherloc (09022015). Collection method: clinical testing. Allele origin: germline.

Blueprint Genetics
Classification: Likely benign. Last evaluated: 2024-07-25. Review status: criteria provided, single submitter. Criteria: ACMG Guidelines, 2015. Collection method: clinical testing. Allele origin: germline.

CeGaT Center for Human Genetics Tuebingen
Classification: Likely benign. Last evaluated: 2022-04-01. Review status: criteria provided, single submitter. Criteria: CeGaT Center For Human Genetics Tuebingen Variant Classification Criteria Version 2. Collection method: clinical testing. Allele origin: germline. Affected: yes. Observed: 1 variant allele.
Comment: PLEC: BP4, BP7

GeneDx
Classification: Likely benign. Last evaluated: 2018-01-15. Review status: criteria provided, single submitter. Criteria: GeneDx Variant Classification (06012015). Collection method: clinical testing. Allele origin: germline. Affected: yes.
Comment: This variant is considered likely benign or benign based on one or more of the following criteria: it is a conservative change, it occurs at a poorly conserved position in the protein, it is predicted to be benign by multiple in silico algorithms, and/or has population frequency not consistent with disease.